The following is an entry in ClinVar:

ClinVar aggregate classification (germline): Uncertain significance (1 of 4 stars; one submission).

gnomAD v4.1: 8 of 1,612,100 alleles (0.0005%); highest among the groups gnomAD compares: Middle Eastern, 0.017%; no homozygotes.

Submission:

Labcorp Genetics (formerly Invitae), Labcorp
Classification: Uncertain significance. Last evaluated: 2022-08-23. Review status: criteria provided, single submitter. Criteria: Invitae Variant Classification Sherloc (09022015). Collection method: clinical testing. Allele origin: germline.
Comment: This sequence change replaces isoleucine, which is neutral and non-polar, with valine, which is neutral and non-polar, at codon 293 of the C5 protein (p.Ile293Val). This variant is present in population databases (no rsID available, gnomAD 0.003%). This variant has not been reported in the literature in individuals affected with C5-related conditions. Algorithms developed to predict the effect of missense changes on protein structure and function output the following: SIFT: "Tolerated"; PolyPhen-2: "Benign"; Align-GVGD: "Class C0". The valine amino acid residue is found in multiple mammalian species, which suggests that this missense change does not adversely affect protein function. Algorithms developed to predict the effect of sequence changes on RNA splicing suggest that this variant may create or strengthen a splice site. In summary, the available evidence is currently insufficient to determine the role of this variant in disease. Therefore, it has been classified as a Variant of Uncertain Significance.

NM_001735.3(C5):c.877A>G (p.Ile293Val)

Gene: C5 (complement C5; minus strand). Cytogenetic location: 9q33.2.
Variant type: single nucleotide variant.
Coding change: c.877A>G on transcript NM_001735.3 (MANE Select); coding-DNA position 877, A replaced by G.
Protein change: p.Ile293Val; replaces isoleucine 293 with valine.
Molecular consequence: missense variant.
Genome position (GRCh38, 1-based): chr9:121,025,577, T>C on the plus strand (A>G on the coding strand, the complement: C5 is on the minus strand). VCF-style: chr9-121025577-T-C. GRCh37 (hg19) VCF-style: chr9-123787855-T-C.
Other names: c.895A>G, p.Ile299Val (NM_001317163.2); c.877A>G, p.Ile293Val (NM_001317164.2); short protein forms I293V, I299V.
Identifiers: ClinVar variation 1960809 (VCV001960809.2), dbSNP rs747468525, ClinGen allele CA374755463.